The following is an entry in ClinVar:

NM_000342.4(SLC4A1):c.236C>T (p.Ala79Val)

Gene: SLC4A1 (solute carrier family 4 member 1 (Diego blood group); minus strand). Cytogenetic location: 17q21.31.
Variant type: single nucleotide variant.
Coding change: c.236C>T on transcript NM_000342.4 (MANE Select); coding-DNA position 236, C replaced by T.
Protein change: p.Ala79Val; replaces alanine 79 with valine.
Molecular consequence: missense variant.
Genome position (GRCh38, 1-based): chr17:44,260,748, G>A on the plus strand (C>T on the coding strand, the complement: SLC4A1 is on the minus strand). VCF-style: chr17-44260748-G-A. GRCh37 (hg19) VCF-style: chr17-42338116-G-A.
Other names: short protein forms A79V.
Identifiers: ClinVar variation 4864630 (VCV004864630.1).

ClinVar aggregate classification (germline): Uncertain significance (1 of 4 stars; one submission).

Conditions:
Inborn genetic diseases. Identifiers: MedGen C0950123, MeSH D030342.

gnomAD v4.1: 11 of 1,613,914 alleles (0.00068%); highest among the groups gnomAD compares: Admixed American, 0.0083%; no homozygotes.

Submission:

Ambry Genetics
Classification: Uncertain significance for Inborn genetic diseases. Last evaluated: 2026-05-28. Review status: criteria provided, single submitter. Criteria: Ambry Variant Classification Scheme 2023. Collection method: clinical testing. Allele origin: germline.
Comment: The c.236C>T (p.A79V) alteration is located in exon 5 (coding exon 4) of the SLC4A1 gene. This alteration results from a C to T substitution at nucleotide position 236, causing the alanine (A) at amino acid position 79 to be replaced by a valine (V). Based on data from gnomAD, the T allele has an overall frequency of 0.003% (7/251180) total alleles studied. The highest observed frequency was 0.015% (5/34582) of Latino alleles. This amino acid position is not well conserved in available vertebrate species. The in silico prediction for this alteration is inconclusive. Based on insufficient or conflicting evidence, the clinical significance of this alteration remains unclear.